The following is an entry in ClinVar:

NM_001205293.3(CACNA1E):c.587G>A (p.Arg196Gln)

Gene: CACNA1E (calcium voltage-gated channel subunit alpha1 E; plus strand). Cytogenetic location: 1q25.3.
Variant type: single nucleotide variant.
Coding change: c.587G>A on transcript NM_001205293.3 (MANE Select); coding-DNA position 587, G replaced by A.
Protein change: p.Arg196Gln; replaces arginine 196 with glutamine.
Molecular consequence: missense variant.
Genome position (GRCh38, 1-based): chr1:181,577,840, G>A. VCF-style: chr1-181577840-G-A. GRCh37 (hg19) VCF-style: chr1-181546976-G-A.
Other names: c.587G>A, p.Arg196Gln (NM_000721.4, NM_001205294.2); short protein forms R196Q.
Identifiers: ClinVar variation 3606818 (VCV003606818.2).
Genomic context (GRCh38, chr1:181,577,840, plus strand): 5'-CAGGAACCCACTTCAATACTCACGTGGACCTGAGGACCCTCCGGGCTGTGCGTGTCCTGC[G>A]GCCTTTGAAGCTCGTGTCAGGGATACCTAGTGAGCATCTGCCATTCTTTCTGCTCTGCTA-3'
Protein context (NP_001192222.1, residues 186-206): LRTLRAVRVL[Arg196Gln]PLKLVSGIPS

ClinVar aggregate classification (germline): Likely pathogenic (1 of 4 stars; one submission).

Submission:

Labcorp Genetics (formerly Invitae), Labcorp
Classification: Likely pathogenic. Last evaluated: 2024-04-25. Review status: criteria provided, single submitter. Criteria: Invitae Variant Classification Sherloc (09022015). Collection method: clinical testing. Allele origin: germline.
Comment: This sequence change replaces arginine, which is basic and polar, with glutamine, which is neutral and polar, at codon 196 of the CACNA1E protein (p.Arg196Gln). This variant is not present in population databases (gnomAD no frequency). This variant has not been reported in the literature in individuals affected with CACNA1E-related conditions. Advanced modeling of protein sequence and biophysical properties (such as structural, functional, and spatial information, amino acid conservation, physicochemical variation, residue mobility, and thermodynamic stability) performed at Invitae indicates that this missense variant is expected to disrupt CACNA1E protein function with a positive predictive value of 95%. This variant disrupts the p.Arg196 amino acid residue in CACNA1E. Other variant(s) that disrupt this residue have been determined to be pathogenic (Invitae). This suggests that this residue is clinically significant, and that variants that disrupt this residue are likely to be disease-causing. In summary, the currently available evidence indicates that the variant is pathogenic, but additional data are needed to prove that conclusively. Therefore, this variant has been classified as Likely Pathogenic.